The following is an entry in ClinVar:

NM_006929.5(SKIC2):c.22+1G>A

Gene: SKIC2 (SKI2 subunit of superkiller complex; plus strand). Cytogenetic location: 6p21.33.
Variant type: single nucleotide variant.
Coding change: c.22+1G>A on transcript NM_006929.5 (MANE Select); the canonical splice donor site of the intron after coding-DNA position 22, G replaced by A.
Molecular consequence: splice donor variant.
Genome position (GRCh38, 1-based): chr6:31,959,215, G>A. VCF-style: chr6-31959215-G-A. GRCh37 (hg19) VCF-style: chr6-31926992-G-A.
Identifiers: ClinVar variation 2838538 (VCV002838538.3), dbSNP rs981582662, ClinGen allele CA363432213.

ClinVar aggregate classification (germline): Likely pathogenic (1 of 4 stars; one submission).

Submission:

Labcorp Genetics (formerly Invitae), Labcorp
Classification: Likely pathogenic. Last evaluated: 2023-02-17. Review status: criteria provided, single submitter. Criteria: Invitae Variant Classification Sherloc (09022015). Collection method: clinical testing. Allele origin: germline.
Comment: Algorithms developed to predict the effect of sequence changes on RNA splicing suggest that this variant may disrupt the consensus splice site. In summary, the currently available evidence indicates that the variant is pathogenic, but additional data are needed to prove that conclusively. Therefore, this variant has been classified as Likely Pathogenic. This variant has not been reported in the literature in individuals affected with SKIV2L-related conditions. This variant is not present in population databases (gnomAD no frequency). This sequence change affects a donor splice site in intron 1 of the SKIV2L gene. It is expected to disrupt RNA splicing. Variants that disrupt the donor or acceptor splice site typically lead to a loss of protein function (PMID: 16199547), and loss-of-function variants in SKIV2L are known to be pathogenic (PMID: 22444670).

Literature cited by the submitters: PubMed 16199547; PubMed 22444670.